The following is an entry in ClinVar:

ClinVar aggregate classification (germline): Likely benign (0 of 4 stars; one submission).

Conditions:
PCK2-related disorder. Also called: PCK2-related condition.

Submission:

PreventionGenetics, part of Exact Sciences
Classification: Likely benign for PCK2-related condition. Last evaluated: 2023-09-29. Review status: no assertion criteria provided. Collection method: clinical testing. Allele origin: germline.
Comment: This variant is classified as likely benign based on ACMG/AMP sequence variant interpretation guidelines (Richards et al. 2015 PMID: 25741868, with internal and published modifications).

NM_004563.4(PCK2):c.1234+99C>G

Genes: NRL (neural retina leucine zipper; minus strand), PCK2 (phosphoenolpyruvate carboxykinase 2, mitochondrial; plus strand). Cytogenetic location: 14q12.
Variant type: single nucleotide variant.
Coding change: c.1234+99C>G on transcript NM_004563.4 (MANE Select); 99 bases into the intron after coding-DNA position 1234, C replaced by G.
Molecular consequence: intron variant. On other transcripts: 3 prime UTR variant (1).
Genome position (GRCh38, 1-based): chr14:24,100,312, C>G. VCF-style: chr14-24100312-C-G. GRCh37 (hg19) VCF-style: chr14-24569521-C-G.
Other names: c.*7C>G (NM_001018073.3); c.-28+14410G>C (NM_001354768.3, NM_001354770.2); c.-254+14410G>C (NM_006177.5); c.832+99C>G (NM_001308054.2, NM_001291556.2).
Identifiers: ClinVar variation 3055309 (VCV003055309.2), dbSNP rs2037111548, ClinGen allele CA2740097723.